The following is an entry in ClinVar:

NM_052844.4(DYNC2I2):c.26del (p.Pro9fs)

Gene: DYNC2I2 (dynein 2 intermediate chain 2; minus strand). Cytogenetic location: 9q34.11.
Variant type: Deletion.
Coding change: c.26del on transcript NM_052844.4 (MANE Select); coding-DNA position 26, one base deleted (C; older notation c.26delC).
Protein change: p.Pro9fs; shifts the reading frame from proline 9.
Molecular consequence: frameshift variant.
Genome position (GRCh38, 1-based): chr9:128,656,701, G deleted on the plus strand (C on the coding strand, the reverse complement: DYNC2I2 is on the minus strand); the first of 2 consecutive G bases (chr9:128,656,701-128,656,702); deleting either gives the same sequence. VCF-style (leftmost placement, unchanged base first): chr9-128656700-TG-T. GRCh37 (hg19) VCF-style: chr9-131418979-TG-T.
Other names: c.26delC (NM_052844.3); short protein forms P9fs.
Identifiers: ClinVar variation 576613 (VCV000576613.6), dbSNP rs763975565, ClinGen allele CA5266765.
Genomic context (GRCh38, chr9:128,656,700, plus strand): 5'-GCCGCTCGCAACCCCGACTGTCGCCAGCGCCGCAACACCAGCGCTTCCCGCCTGGCTGAG[TG>T]GCCCCGGCTGCGCGCGGGTTGCCATGGAGACGGTTCCGCCCTCTCGTGCGGACGCACTCA-3'

ClinVar aggregate classification (germline): Pathogenic (1 of 4 stars; one submission).

Conditions:
Short-rib thoracic dysplasia 11 with or without polydactyly (SRTD11). Also called: SHORT-RIB THORACIC DYSPLASIA 11 WITHOUT POLYDACTYLY. Identifiers: Orphanet 474, Orphanet 93271, MedGen C3810200, MONDO:0014287, OMIM 615633.

Submission:

Labcorp Genetics (formerly Invitae), Labcorp
Classification: Pathogenic for Short-rib thoracic dysplasia 11 with or without polydactyly. Last evaluated: 2024-01-06. Review status: criteria provided, single submitter. Criteria: Invitae Variant Classification Sherloc (09022015). Collection method: clinical testing. Allele origin: germline.
Comment: This sequence change creates a premature translational stop signal (p.Pro9Hisfs*115) in the WDR34 gene. It is expected to result in an absent or disrupted protein product. Loss-of-function variants in WDR34 are known to be pathogenic (PMID: 24183449, 24183451, 28379358). This variant is not present in population databases (gnomAD no frequency). This variant has not been reported in the literature in individuals affected with WDR34-related conditions. ClinVar contains an entry for this variant (Variation ID: 576613). For these reasons, this variant has been classified as Pathogenic.

Literature cited by the submitters: PubMed 24183449; PubMed 24183451; PubMed 28379358.